The following is an entry in ClinVar:

ClinVar aggregate classification (germline): Benign. Review status: criteria provided, multiple submitters, no conflicts (2 of 4 stars). 6 submissions from 6 submitters: Benign (3). 3 of the submissions do not count toward it. Last evaluated 2026-02-03.

Allele frequency attached by ClinVar (database versions not stated): gnomAD 0.99997 and 0.99998; TOPMed 0.99998; gnomAD exomes 0.99999.

Submissions (6):

Labcorp Genetics (formerly Invitae), Labcorp
Classification: Benign. Last evaluated: 2026-02-03. Review status: criteria provided, single submitter. Criteria: Invitae Variant Classification Sherloc (09022015). Collection method: clinical testing. Allele origin: germline.

Blueprint Genetics
Classification: Benign. Last evaluated: 2024-11-28. Review status: criteria provided, single submitter. Criteria: ACMG Guidelines, 2015. Collection method: clinical testing. Allele origin: germline.

Breakthrough Genomics
Classification: Benign. Review status: criteria provided, single submitter. Criteria: ACMG Guidelines, 2015. Collection method: not provided. Allele origin: germline. Inheritance: Autosomal dominant inheritance. Affected: yes.

ITMI
No classification provided. Condition: AllHighlyPenetrant. Last evaluated: 2013-09-19. Review status: no classification provided. Collection method: reference population. Allele origin: germline. Not counted in ClinVar's aggregate classification.
Comment: Please see associated publication for description of ethnicities

Clinical Genetics DNA and cytogenetics Diagnostics Lab, Erasmus MC, Erasmus Medical Center
Classification: Benign. Review status: no assertion criteria provided. Collection method: clinical testing. Allele origin: germline. Affected: yes. Study: VKGL Data-share Consensus. Not counted in ClinVar's aggregate classification.

Diagnostic Laboratory, Department of Genetics, University Medical Center Groningen
Classification: Benign. Review status: no assertion criteria provided. Collection method: clinical testing. Allele origin: germline. Affected: yes. Study: VKGL Data-share Consensus. Not counted in ClinVar's aggregate classification.

Literature cited by the submitters: PubMed 24728327 (cited by ITMI).

NM_015338.6(ASXL1):c.2444= (p.Pro815=)

Gene: ASXL1 (ASXL transcriptional regulator 1; plus strand). Cytogenetic location: 20q11.21.
Variant type: single nucleotide variant.
Coding change: c.2444= on transcript NM_015338.6 (MANE Select); coding-DNA position 2444, no change from the reference sequence.
Protein change: p.Pro815=; no amino-acid change (proline 815 retained).
Molecular consequence: no sequence alteration.
Genome position: GRCh38 VCF-style: chr20-32435156-C-C. GRCh37 (hg19) VCF-style: chr20-31022959-T-C.
Other names: c.2261=, p.Pro754= (NM_001363734.1).
Identifiers: ClinVar variation 133599 (VCV000133599.15), dbSNP rs6058694.